The following is an entry in ClinVar:

ClinVar aggregate classification (germline): Uncertain significance (1 of 4 stars; one submission).

Submission:

Labcorp Genetics (formerly Invitae), Labcorp
Classification: Uncertain significance. Last evaluated: 2025-09-10. Review status: criteria provided, single submitter. Criteria: Invitae Variant Classification Sherloc (09022015). Collection method: clinical testing. Allele origin: germline.
Comment: This sequence change replaces alanine, which is neutral and non-polar, with glutamic acid, which is acidic and polar, at codon 1369 of the CACNA1D protein (p.Ala1369Glu). This variant is not present in population databases (gnomAD no frequency). This variant has not been reported in the literature in individuals affected with CACNA1D-related conditions. An algorithm developed to predict the effect of missense changes on protein structure and function (PolyPhen-2) suggests that this variant is likely to be disruptive. In summary, the available evidence is currently insufficient to determine the role of this variant in disease. Therefore, it has been classified as a Variant of Uncertain Significance.

NM_001128840.3(CACNA1D):c.4046C>A (p.Ala1349Glu)

Gene: CACNA1D (calcium voltage-gated channel subunit alpha1 D; plus strand). Cytogenetic location: 3p21.1.
Variant type: single nucleotide variant.
Coding change: c.4046C>A on transcript NM_001128840.3 (MANE Select); coding-DNA position 4046, C replaced by A.
Protein change: p.Ala1349Glu; replaces alanine 1349 with glutamic acid.
Molecular consequence: missense variant.
Genome position (GRCh38, 1-based): chr3:53,772,834, C>A. VCF-style: chr3-53772834-C-A. GRCh37 (hg19) VCF-style: chr3-53806861-C-A.
Other names: c.4106C>A, p.Ala1369Glu (NM_000720.4); c.4001C>A, p.Ala1334Glu (NM_001128839.3); short protein forms A1349E, A1334E, A1369E.
Identifiers: ClinVar variation 4727033 (VCV004727033.1).